The following is an entry in ClinVar:

NM_001386795.1(DTNA):c.933C>T (p.Ser311=)

Gene: DTNA (dystrobrevin alpha; plus strand). Cytogenetic location: 18q12.1.
Variant type: single nucleotide variant.
Coding change: c.933C>T on transcript NM_001386795.1 (MANE Select); coding-DNA position 933, C replaced by T.
Protein change: p.Ser311=; no amino-acid change (serine 311 retained).
Molecular consequence: synonymous variant. On other transcripts: 5 prime UTR variant (4), intron variant (1).
Genome position (GRCh38, 1-based): chr18:34,820,847, C>T. VCF-style: chr18-34820847-C-T. GRCh37 (hg19) VCF-style: chr18-32400811-C-T.
Other names: p.S311S:TCC>TCT; c.933C>T, p.Ser311= (NM_001128175.2, NM_001198938.2, NM_001198939.2 and 34 more transcripts); c.-22C>T (NM_001198942.1, NM_001198944.1, NM_032980.4 and 1 more transcripts); c.183C>T, p.Ser61= (NM_001198943.1); c.603+8734C>T (NM_001198945.2).
Identifiers: ClinVar variation 46428 (VCV000046428.15), dbSNP rs114170541, ClinGen allele CA138341.

ClinVar aggregate classification (germline): Benign. Review status: criteria provided, multiple submitters, no conflicts (2 of 4 stars). 4 submissions from 4 submitters: Benign (4). Last evaluated 2026-01-31.

Conditions:
Left ventricular noncompaction 1 (LVNC1). Also called: LEFT VENTRICULAR NONCOMPACTION 1 WITH OR WITHOUT CONGENITAL HEART DEFECTS. Identifiers: Orphanet 54260, MedGen C1858725, MONDO:0011403, OMIM 604169.

Allele frequency attached by ClinVar (database versions not stated): gnomAD exomes 0.00084 and 0.00212; ExAC 0.00269; gnomAD 0.00840 and 0.00902; ESP Exome Variant Server 0.00900; 1000 Genomes Project 0.00919; 1000 Genomes Project 30x 0.00984; TOPMed 0.01011.
gnomAD v4.1: 2,595 of 1,614,110 alleles (0.16%); highest among the groups gnomAD compares: African/African-American, 2.9%; 46 homozygotes.

Submissions (4):

Labcorp Genetics (formerly Invitae), Labcorp
Classification: Benign for Left ventricular noncompaction 1. Last evaluated: 2026-01-31. Review status: criteria provided, single submitter. Criteria: Invitae Variant Classification Sherloc (09022015). Collection method: clinical testing. Allele origin: germline.

Women's Health and Genetics/Laboratory Corporation of America, LabCorp
Classification: Benign. Last evaluated: 2016-02-09. Review status: criteria provided, single submitter. Criteria: LabCorp Variant Classification Summary - May 2015. Collection method: clinical testing. Allele origin: germline.
Comment: Variant summary: This c.933C>T variant affects a non-conserved nucleotide, resulting in synonymous amino acid change. 5/5 splice-site tools via Alamut predict that this variant does not affect normal splicing. This variant was found in 326/121392 control chromosomes at a frequency of 0.0026855, which is more than 106 times higher than the maximal expected frequency of a pathogenic allele (0.000025) in this gene, suggesting this variant is benign. The variant is more frequent in African population with an allele frequency of 2.8% (295/10406 chromosomes), including six homozygotes. Multiple clinical laboratories have classified this variant as benign. Taken together, this variant has been classified as Benign.

GeneDx
Classification: Benign. Last evaluated: 2014-04-22. Review status: criteria provided, single submitter. Criteria: GeneDx Variant Classification (06012015). Collection method: clinical testing. Allele origin: germline. Affected: yes.
Comment: This variant is considered likely benign or benign based on one or more of the following criteria: it is a conservative change, it occurs at a poorly conserved position in the protein, it is predicted to be benign by multiple in silico algorithms, and/or has population frequency not consistent with disease.

Laboratory for Molecular Medicine, Mass General Brigham Personalized Medicine
Classification: Benign. Last evaluated: 2012-04-10. Review status: criteria provided, single submitter. Criteria: LMM Criteria. Collection method: clinical testing. Allele origin: germline. Observed: 15 variant alleles.
Comment: 2.6% (96 alleles) in AA (ESP)